The following is an entry in ClinVar:

ClinVar aggregate classification (germline): Uncertain significance (1 of 4 stars; one submission).

Conditions:
Baraitser-winter syndrome 2. Identifiers: Orphanet 2995, MedGen C3281235, MONDO:0013812, OMIM 614583.

Submission:

3billion
Classification: Uncertain significance for Baraitser-winter syndrome 2. Last evaluated: 2024-11-08. Review status: criteria provided, single submitter. Criteria: ACMG Guidelines, 2015. Collection method: clinical testing. Allele origin: germline. Affected: yes.
Comment: The variant is not observed in the gnomAD v4.1.0 dataset. Predicted Consequence/Location: Missense variant. Missense changes are a common disease-causing mechanism. In silico tool predictions suggest damaging effect of the variant on gene or gene product [REVEL: 0.94 (>=0.6, sensitivity 0.68 and specificity 0.92); 3Cnet: 0.99 (>=0.6, sensitivity 0.72 and precision 0.9)]. Therefore, this variant is classified as VUS according to the recommendation of ACMG/AMP guideline.

NM_001614.5(ACTG1):c.562T>C (p.Tyr188His)

Gene: ACTG1 (actin gamma 1; minus strand). Cytogenetic location: 17q25.3.
Variant type: single nucleotide variant.
Coding change: c.562T>C on transcript NM_001614.5 (MANE Select); coding-DNA position 562, T replaced by C.
Protein change: p.Tyr188His; replaces tyrosine 188 with histidine.
Molecular consequence: missense variant. On other transcripts: non-coding transcript variant (1).
Genome position (GRCh38, 1-based): chr17:81,511,428, A>G on the plus strand (T>C on the coding strand, the complement: ACTG1 is on the minus strand). VCF-style: chr17-81511428-A-G. GRCh37 (hg19) VCF-style: chr17-79478454-A-G.
Other names: c.562T>C, p.Tyr188His (NM_001199954.3); short protein forms Y188H.
Identifiers: ClinVar variation 4292638 (VCV004292638.1).